The following is an entry in ClinVar:

ClinVar aggregate classification (germline): Pathogenic/Likely pathogenic. Review status: criteria provided, multiple submitters, no conflicts (2 of 4 stars). 2 submissions from 2 submitters: Pathogenic (1); Likely pathogenic (1). Last evaluated 2025-08-05.

Conditions:
Neuronopathy, distal hereditary motor, autosomal dominant 11. Also called: NEUROPATHY, DISTAL HEREDITARY MOTOR, 11. Identifiers: MedGen C5882697, MONDO:0957875, OMIM 620528.
Inborn genetic diseases. Identifiers: MedGen C0950123, MeSH D030342.

Submissions (2):

Ambry Genetics
Classification: Pathogenic for Inborn genetic diseases. Last evaluated: 2025-08-05. Review status: criteria provided, single submitter. Criteria: Ambry Variant Classification Scheme 2023. Collection method: clinical testing. Allele origin: germline.
Comment: The c.3388C>T (p.Q1130*) alteration, located in exon 24 (coding exon 23) of the SPTAN1 gene, consists of a C to T substitution at nucleotide position 3388. This changes the amino acid from a glutamine (Q) to a stop codon at amino acid position 1130. This alteration is expected to result in loss of function by premature protein truncation or nonsense-mediated mRNA decay. for SPTAN1-related neurologic disorders; however, its clinical significance for SPTAN1-related developmental and epileptic encephalopathy is uncertain. This variant was not reported in population-based cohorts in the Genome Aggregation Database (gnomAD). Based on the available evidence, this alteration is classified as pathogenic.

Diagnostics Services (NGS), CSIR - Centre For Cellular And Molecular Biology
Classification: Likely pathogenic for Neuronopathy, distal hereditary motor, autosomal dominant 11. Last evaluated: 2023-11-26. Review status: criteria provided, single submitter. Criteria: ACMG Guidelines, 2015. Collection method: clinical testing. Allele origin: unknown. Affected: yes. Observed: 1 variant allele, 1 heterozygote.
Comment: The c.3388C>T variant is not present in publicly available population databases like 1000 Genomes, EVS, ExAC, gnomAD, Indian Exome Database or our in-house exome database. This variant has neither been reported in the literature in individuals affected with SPTAN1-related conditions nor reported to the clinical databases like Human Genome Mutation Database (HGMD), ClinVar or OMIM, in any affected individuals. In-silico pathogenicity prediction programs like MutationTaster2, CADD, Varsome, Franklin, InterVar etc predicted this variant to be likely deleterious. This variant creates a premature translational stop codon at the 1130th amino acid position of the transcript that may either result in translation of a truncated protein or cause nonsense mediated decay of the mRNA.

NM_001130438.3(SPTAN1):c.3388C>T (p.Gln1130Ter)

Gene: SPTAN1 (spectrin alpha, non-erythrocytic 1; plus strand). Cytogenetic location: 9q34.11.
Variant type: single nucleotide variant.
Coding change: c.3388C>T on transcript NM_001130438.3 (MANE Select); coding-DNA position 3388, C replaced by T.
Protein change: p.Gln1130Ter; replaces glutamine 1130 with a stop codon.
Molecular consequence: nonsense.
Genome position (GRCh38, 1-based): chr9:128,594,347, C>T. VCF-style: chr9-128594347-C-T. GRCh37 (hg19) VCF-style: chr9-131356626-C-T.
Other names: c.3328C>T, p.Gln1110Ter (NM_001195532.2, NM_001363765.2, NM_001375314.2); c.3388C>T, p.Gln1130Ter (NM_001363759.2, NM_001375310.1, NM_001375311.2 and 2 more transcripts); c.3424C>T, p.Gln1142Ter (NM_001375312.2, NM_001375318.1); c.3388C>T (NM_001130438.2); short protein forms Q1110*, Q1130*, Q1142*.
Identifiers: ClinVar variation 2664159 (VCV002664159.2), dbSNP rs2541454325, ClinGen allele CA375062130.
Genomic context (GRCh38, chr9:128,594,347, plus strand): 5'-AAGGAAGCCGCTCTGACAAGTGAGGAGGTCGGAGCAGACTTGGAGCAGGTTGAGGTGCTC[C>T]AGAAGAAGTTTGATGACTTCCAGAAGGTATGGGCAGTCTTCAGGCTCAGCTGAAAATTTG-3'